The following is an entry in ClinVar:

NM_001267550.2(TTN):c.105491G>A (p.Arg35164His)

Genes: TTN (titin; minus strand), TTN-AS1 (TTN antisense RNA 1; plus strand), LOC129935184 (ATAC-STARR-seq lymphoblastoid active region 16809; plus strand). Cytogenetic location: 2q31.2.
Variant type: single nucleotide variant.
Coding change: c.105491G>A on transcript NM_001267550.2 (MANE Select); coding-DNA position 105491, G replaced by A.
Protein change: p.Arg35164His; replaces arginine 35164 with histidine.
Molecular consequence: missense variant.
Genome position (GRCh38, 1-based): chr2:178,531,124, C>T on the plus strand (G>A on the coding strand, the complement: TTN is on the minus strand). VCF-style: chr2-178531124-C-T. GRCh37 (hg19) VCF-style: chr2-179395851-C-T.
Other names: p.R33523H:CGT>CAT; c.100568G>A, p.Arg33523His (NM_001256850.1); c.78296G>A, p.Arg26099His (NM_003319.4); c.97787G>A, p.Arg32596His (NM_133378.4); c.78671G>A, p.Arg26224His (NM_133432.3); c.78872G>A, p.Arg26291His (NM_133437.4); short protein forms R33523H, R35164H, R26099H, R32596H, R26224H, R26291H.
Identifiers: ClinVar variation 203098 (VCV000203098.22), dbSNP rs768358201, ClinGen allele CA311232.
Genomic context (GRCh38, chr2:178,531,124, plus strand): 5'-GATTTGTACTTTGTGGTGGTCACTTGGTGGCGGGCAGAAGTACTTAGCACTTGTCCTTTA[C>T]GCAGCCAGGTCACAGTTGGTACCGGCTCACCATCGGTGTCACAAGAAAACCTTGCAGACT-3'
Protein context (NP_001254479.2, residues 35154-35174): GEPVPTVTWL[Arg35164His]KGQVLSTSAR

ClinVar aggregate classification (germline): Conflicting classifications of pathogenicity. Review status: criteria provided, conflicting classifications (1 of 4 stars). 4 submissions from 4 submitters: Uncertain significance (3); Likely benign (1). Last evaluated 2025-06-11.

Conditions:
TTN-related disorder. Also called: TTN-related condition; TTN-related disease; TTN-related disorders.
Dilated cardiomyopathy 1G (CMD1G). Identifiers: Orphanet 154, MedGen C1858763, MONDO:0011400, OMIM 604145.
Autosomal recessive limb-girdle muscular dystrophy type 2J (LGMDR10). Also called: Limb-girdle muscular dystrophy, type 2J; MUSCULAR DYSTROPHY, LIMB-GIRDLE, AUTOSOMAL RECESSIVE 10. Identifiers: Orphanet 140922, MedGen C1837342, MONDO:0012127, OMIM 608807.

Allele frequency attached by ClinVar (database versions not stated): gnomAD 0.00001; ExAC 0.00002; TOPMed 0.00002; gnomAD exomes 0.00003 and 0.00004.
gnomAD v4.1: 67 of 1,613,856 alleles (0.0042%); highest among the groups gnomAD compares: South Asian, 0.0077%; no homozygotes.

Submissions (4):

PreventionGenetics, part of Exact Sciences
Classification: Uncertain significance for TTN-related condition. Last evaluated: 2025-06-11. Review status: criteria provided, single submitter. Criteria: ACMG Guidelines, 2015. Collection method: clinical testing. Allele origin: germline.
Comment: The TTN c.105491G>A variant is predicted to result in the amino acid substitution p.Arg35164His. To our knowledge, this variant has not been reported in the literature. This variant is reported in 0.013% of alleles in individuals of African descent in gnomAD. At this time, the clinical significance of this variant is uncertain due to the absence of conclusive functional and genetic evidence.

GeneDx
Classification: Likely benign. Last evaluated: 2020-08-07. Review status: criteria provided, single submitter. Criteria: GeneDx Variant Classification Process June 2021. Collection method: clinical testing. Allele origin: germline. Affected: yes.

Revvity Omics, Revvity
Classification: Uncertain significance. Last evaluated: 2019-06-26. Review status: criteria provided, single submitter. Criteria: ACMG Guidelines, 2015. Collection method: clinical testing. Allele origin: germline.

Labcorp Genetics (formerly Invitae), Labcorp
Classification: Uncertain significance for Dilated cardiomyopathy 1G; Autosomal recessive limb-girdle muscular dystrophy type 2J. Last evaluated: 2017-12-15. Review status: criteria provided, single submitter. Criteria: Invitae Variant Classification Sherloc (09022015). Collection method: clinical testing. Allele origin: germline.